The following is an entry in ClinVar:

NM_005051.3(QARS1):c.1781A>G (p.Asn594Ser)

Gene: QARS1 (glutaminyl-tRNA synthetase 1; minus strand). Cytogenetic location: 3p21.31.
Variant type: single nucleotide variant.
Coding change: c.1781A>G on transcript NM_005051.3 (MANE Select); coding-DNA position 1781, A replaced by G.
Protein change: p.Asn594Ser; replaces asparagine 594 with serine.
Molecular consequence: missense variant. On other transcripts: non-coding transcript variant (1).
Genome position (GRCh38, 1-based): chr3:49,098,967, T>C on the plus strand (A>G on the coding strand, the complement: QARS1 is on the minus strand). VCF-style: chr3-49098967-T-C. GRCh37 (hg19) VCF-style: chr3-49136400-T-C.
Other names: c.1748A>G, p.Asn583Ser (NM_001272073.2); short protein forms N583S, N594S.
Identifiers: ClinVar variation 4686364 (VCV004686364.1).

ClinVar aggregate classification (germline): Uncertain significance (1 of 4 stars; one submission).

gnomAD v4.1: 15 of 1,613,898 alleles (0.00093%); highest among the groups gnomAD compares: African/African-American, 0.0027%; no homozygotes.

Submission:

GeneDx
Classification: Uncertain significance. Last evaluated: 2025-07-14. Review status: criteria provided, single submitter. Criteria: GeneDx Variant Classification Process June 2021. Collection method: clinical testing. Allele origin: germline. Affected: yes.
Comment: Not observed at significant frequency in large population cohorts (gnomAD); In silico analysis supports that this missense variant has a deleterious effect on protein structure/function; Has not been previously published as pathogenic or benign to our knowledge; This variant is associated with the following publications: (PMID: 25471517)